The following is an entry in ClinVar:

NM_004928.3(CFAP410):c.508A>G (p.Thr170Ala)

Gene: CFAP410 (cilia and flagella associated protein 410; minus strand). Cytogenetic location: 21q22.3.
Variant type: single nucleotide variant.
Coding change: c.508A>G on transcript NM_004928.3 (MANE Select); coding-DNA position 508, A replaced by G.
Protein change: p.Thr170Ala; replaces threonine 170 with alanine.
Molecular consequence: missense variant.
Genome position (GRCh38, 1-based): chr21:44,331,880, T>C on the plus strand (A>G on the coding strand, the complement: CFAP410 is on the minus strand). VCF-style: chr21-44331880-T-C. GRCh37 (hg19) VCF-style: chr21-45751763-T-C.
Other names: c.508A>G, p.Thr170Ala (NM_001271440.2, NM_001271441.2); c.385A>G, p.Thr129Ala (NM_001271442.1); short protein forms T129A, T170A.
Identifiers: ClinVar variation 1470057 (VCV001470057.6), dbSNP rs2146061839, ClinGen allele CA410453601.
Genomic context (GRCh38, chr21:44,331,880, plus strand): 5'-TCCCCGCTGCCCTCCAGCCTCACGTTGCCTCCTCCTCGCTGTCCAGCGGGTCCCGGCCAG[T>C]CTCAGCAGCGGAGCTGAGGGAGCTCAGTGTGCAGCATAGCTTGGGGCCGCCGTGGCCTGT-3'
Protein context (NP_004919.1, residues 160-180): TLSSLSSAAE[Thr170Ala]GRDPLDSEEE

ClinVar aggregate classification (germline): Uncertain significance (1 of 4 stars; one submission).

Allele frequency attached by ClinVar (database versions not stated): gnomAD exomes below 0.00001.

Submission:

Labcorp Genetics (formerly Invitae), Labcorp
Classification: Uncertain significance. Last evaluated: 2021-08-27. Review status: criteria provided, single submitter. Criteria: Invitae Variant Classification Sherloc (09022015). Collection method: clinical testing. Allele origin: germline.
Comment: This sequence change replaces threonine with alanine at codon 170 of the CFAP410 protein (p.Thr170Ala). The threonine residue is moderately conserved and there is a small physicochemical difference between threonine and alanine. In summary, the available evidence is currently insufficient to determine the role of this variant in disease. Therefore, it has been classified as a Variant of Uncertain Significance. Algorithms developed to predict the effect of missense changes on protein structure and function (SIFT, PolyPhen-2, Align-GVGD) all suggest that this variant is likely to be tolerated. This variant has not been reported in the literature in individuals affected with CFAP410-related conditions. This variant is not present in population databases (ExAC no frequency).